The following is an entry in ClinVar:

NM_016938.5(EFEMP2):c.80C>T (p.Pro27Leu)

Gene: EFEMP2 (EGF-like fibulin extracellular matrix protein 2; minus strand). Cytogenetic location: 11q13.1.
Variant type: single nucleotide variant.
Coding change: c.80C>T on transcript NM_016938.5 (MANE Select); coding-DNA position 80, C replaced by T.
Protein change: p.Pro27Leu; replaces proline 27 with leucine.
Molecular consequence: missense variant. On other transcripts: non-coding transcript variant (1).
Genome position (GRCh38, 1-based): chr11:65,872,275, G>A on the plus strand (C>T on the coding strand, the complement: EFEMP2 is on the minus strand). VCF-style: chr11-65872275-G-A. GRCh37 (hg19) VCF-style: chr11-65639746-G-A.
Other names: short protein forms P27L.
Identifiers: ClinVar variation 1310045 (VCV001310045.3), dbSNP rs770178569, ClinGen allele CA223979310.

ClinVar aggregate classification (germline): Uncertain significance. Review status: criteria provided, multiple submitters, no conflicts (2 of 4 stars). 2 submissions from 2 submitters: Uncertain significance (2). Last evaluated 2024-10-21.

Allele frequency attached by ClinVar (database versions not stated): gnomAD 0.00001; TOPMed 0.00001.
gnomAD v4.1: 28 of 1,551,548 alleles (0.0018%); highest among the groups gnomAD compares: Non-Finnish European, 0.0024%; no homozygotes.

Submissions (2):

Blueprint Genetics
Classification: Uncertain significance. Last evaluated: 2024-10-21. Review status: criteria provided, single submitter. Criteria: ACMG Guidelines, 2015. Collection method: clinical testing. Allele origin: germline.

GeneDx
Classification: Uncertain significance. Last evaluated: 2019-11-04. Review status: criteria provided, single submitter. Criteria: GeneDx Variant Classification Process June 2021. Collection method: clinical testing. Allele origin: germline. Affected: yes.
Comment: Not observed at a significant frequency in large population cohorts (Lek et al., 2016); In silico analysis, which includes protein predictors and evolutionary conservation, supports that this variant does not alter protein structure/function; Has not been previously published as pathogenic or benign to our knowledge